The following is an entry in ClinVar:

NM_017763.6(RNF43):c.315C>T (p.Ser105=)

Gene: RNF43 (ring finger protein 43; minus strand). Cytogenetic location: 17q22.
Variant type: single nucleotide variant.
Coding change: c.315C>T on transcript NM_017763.6 (MANE Select); coding-DNA position 315, C replaced by T.
Protein change: p.Ser105=; no amino-acid change (serine 105 retained).
Molecular consequence: synonymous variant.
Genome position (GRCh38, 1-based): chr17:58,370,971, G>A on the plus strand (C>T on the coding strand, the complement: RNF43 is on the minus strand). VCF-style: chr17-58370971-G-A. GRCh37 (hg19) VCF-style: chr17-56448332-G-A.
Other names: c.315C>T, p.Ser105= (NM_001305544.3); c.-67C>T (NM_001305545.2).
Identifiers: ClinVar variation 3946900 (VCV003946900.2).

ClinVar aggregate classification (germline): Benign/Likely benign. Review status: criteria provided, multiple submitters, no conflicts (2 of 4 stars). 2 submissions from 2 submitters: Benign (1); Likely benign (1). Last evaluated 2026-06-29.

Conditions:
Sessile serrated polyposis cancer syndrome (SSPCS). Identifiers: Orphanet 157798, MedGen C4310714, MONDO:0014919, OMIM 617108.

Submissions (2):

Myriad Genetics, Inc.
Classification: Benign for Sessile serrated polyposis cancer syndrome. Last evaluated: 2026-06-29. Review status: criteria provided, single submitter. Criteria: Myriad Autosomal Dominant, Autosomal Recessive and X-Linked Classification Criteria (2023). Collection method: clinical testing. Allele origin: unknown.
Comment: This variant is considered benign. This variant is a silent/synonymous amino acid change and it is not expected to impact splicing.

Ambry Genetics
Classification: Likely benign. Last evaluated: 2025-05-19. Review status: criteria provided, single submitter. Criteria: Ambry Variant Classification Scheme 2023. Collection method: clinical testing. Allele origin: germline.